The following is an entry in ClinVar:

ClinVar aggregate classification (germline): Uncertain significance. Review status: criteria provided, multiple submitters, no conflicts (2 of 4 stars). 2 submissions from 2 submitters: Uncertain significance (2). Last evaluated 2022-10-13.

Allele frequency attached by ClinVar (database versions not stated): gnomAD below 0.00001 and 0.00008; gnomAD exomes 0.00013 and 0.00021; ExAC 0.00024; 1000 Genomes Project 0.00040; 1000 Genomes Project 30x 0.00047.
gnomAD v4.1: 206 of 1,607,290 alleles (0.013%); highest among the groups gnomAD compares: South Asian, 0.2%; no homozygotes.

Submissions (2):

Labcorp Genetics (formerly Invitae), Labcorp
Classification: Uncertain significance. Last evaluated: 2022-10-13. Review status: criteria provided, single submitter. Criteria: Invitae Variant Classification Sherloc (09022015). Collection method: clinical testing. Allele origin: germline.
Comment: This sequence change replaces valine, which is neutral and non-polar, with methionine, which is neutral and non-polar, at codon 1097 of the TUBGCP6 protein (p.Val1097Met). This variant is present in population databases (rs561886849, gnomAD 0.2%). This variant has not been reported in the literature in individuals affected with TUBGCP6-related conditions. ClinVar contains an entry for this variant (Variation ID: 860896). Algorithms developed to predict the effect of missense changes on protein structure and function output the following: SIFT: "Deleterious"; PolyPhen-2: "Benign"; Align-GVGD: "Class C0". The methionine amino acid residue is found in multiple mammalian species, which suggests that this missense change does not adversely affect protein function. In summary, the available evidence is currently insufficient to determine the role of this variant in disease. Therefore, it has been classified as a Variant of Uncertain Significance.

GeneDx
Classification: Uncertain significance. Last evaluated: 2022-04-04. Review status: criteria provided, single submitter. Criteria: GeneDx Variant Classification Process June 2021. Collection method: clinical testing. Allele origin: germline. Affected: yes.
Comment: In silico analysis supports that this missense variant does not alter protein structure/function; Has not been previously published as pathogenic or benign to our knowledge

NM_020461.4(TUBGCP6):c.3289G>A (p.Val1097Met)

Gene: TUBGCP6 (tubulin gamma complex component 6; minus strand). Cytogenetic location: 22q13.33.
Variant type: single nucleotide variant.
Coding change: c.3289G>A on transcript NM_020461.4 (MANE Select); coding-DNA position 3289, G replaced by A.
Protein change: p.Val1097Met; replaces valine 1097 with methionine.
Molecular consequence: missense variant.
Genome position (GRCh38, 1-based): chr22:50,221,070, C>T on the plus strand (G>A on the coding strand, the complement: TUBGCP6 is on the minus strand). VCF-style: chr22-50221070-C-T. GRCh37 (hg19) VCF-style: chr22-50659499-C-T.
Other names: short protein forms V1097M.
Identifiers: ClinVar variation 860896 (VCV000860896.6), dbSNP rs561886849, ClinGen allele CA10307996.
Genomic context (GRCh38, chr22:50,221,070, plus strand): 5'-CCCTGATGCTGGCGTTGGACACATGTCCATGGATGTTCCACCGTGGCCGAGTGGGAGCCA[C>T]ATCTGACACAGACTCCCCTAAGCTGATGCTGGCATTGGATACGTGTCCGTGGGTGTTCCA-3'
Protein context (NP_065194.3, residues 1087-1107): SISLGESVSD[Val1097Met]APTRPRWNIH